The following is an entry in ClinVar:

ClinVar aggregate classification (germline): Uncertain significance (1 of 4 stars; one submission).

Conditions:
T-cell immunodeficiency, congenital alopecia, and nail dystrophy. Also called: Congenital alopecia and nail dystrophy associated with severe functional T-cell immunodeficiency; Pignata Guarino syndrome. Identifiers: Orphanet 169095, MedGen C1866426, MONDO:0011132, OMIM 601705.

gnomAD v4.1: 3 of 1,613,932 alleles (0.00019%); highest among the groups gnomAD compares: Non-Finnish European, 0.00025%; no homozygotes.

Submission:

Labcorp Genetics (formerly Invitae), Labcorp
Classification: Uncertain significance for T-cell immunodeficiency, congenital alopecia, and nail dystrophy. Last evaluated: 2024-11-21. Review status: criteria provided, single submitter. Criteria: Invitae Variant Classification Sherloc (09022015). Collection method: clinical testing. Allele origin: germline.
Comment: This sequence change replaces proline, which is neutral and non-polar, with leucine, which is neutral and non-polar, at codon 470 of the FOXN1 protein (p.Pro470Leu). This variant is present in population databases (rs754364565, gnomAD 0.0009%). This variant has not been reported in the literature in individuals affected with FOXN1-related conditions. Invitae Evidence Modeling of protein sequence and biophysical properties (such as structural, functional, and spatial information, amino acid conservation, physicochemical variation, residue mobility, and thermodynamic stability) indicates that this missense variant is not expected to disrupt FOXN1 protein function with a negative predictive value of 80%. In summary, the available evidence is currently insufficient to determine the role of this variant in disease. Therefore, it has been classified as a Variant of Uncertain Significance.

NM_001369369.1(FOXN1):c.1409C>T (p.Pro470Leu)

Gene: FOXN1 (forkhead box N1; plus strand). Cytogenetic location: 17q11.2.
Variant type: single nucleotide variant.
Coding change: c.1409C>T on transcript NM_001369369.1 (MANE Select); coding-DNA position 1409, C replaced by T.
Protein change: p.Pro470Leu; replaces proline 470 with leucine.
Molecular consequence: missense variant.
Genome position (GRCh38, 1-based): chr17:28,534,980, C>T. VCF-style: chr17-28534980-C-T. GRCh37 (hg19) VCF-style: chr17-26861998-C-T.
Other names: c.1409C>T, p.Pro470Leu (NM_003593.3); short protein forms P470L.
Identifiers: ClinVar variation 3698536 (VCV003698536.2).
Genomic context (GRCh38, chr17:28,534,980, plus strand): 5'-GCTATGGGCAGACATACTTGCACCTCTCACCAGGCCTGGCCCCTCCTGGACCCCCGCAGC[C>T]ATTGTTCCCACAGCCGGACGGGCACCTTGAGCTGCGGGCCCAGCCAGGCACCCCCCAGGA-3'
Protein context (NP_001356298.1, residues 460-480): PGLAPPGPPQ[Pro470Leu]LFPQPDGHLE